The following is an entry in ClinVar:

ClinVar aggregate classification (germline): Uncertain significance (1 of 4 stars; one submission).

Conditions:
Sulfite oxidase deficiency due to molybdenum cofactor deficiency type C. Also called: Molybdenum cofactor deficiency C; Molybdenum cofactor deficiency, complementation group C. Identifiers: Orphanet 308400, Orphanet 833, MedGen C1854990, MONDO:0014212, OMIM 615501.

Submission:

Labcorp Genetics (formerly Invitae), Labcorp
Classification: Uncertain significance for Sulfite oxidase deficiency due to molybdenum cofactor deficiency type C. Last evaluated: 2025-10-13. Review status: criteria provided, single submitter. Criteria: Invitae Variant Classification Sherloc (09022015). Collection method: clinical testing. Allele origin: germline.
Comment: This sequence change replaces serine, which is neutral and polar, with arginine, which is basic and polar, at codon 735 of the GPHN protein (p.Ser735Arg). This variant is not present in population databases (gnomAD no frequency). This variant has not been reported in the literature in individuals affected with GPHN-related conditions. Invitae Evidence Modeling of protein sequence and biophysical properties (such as structural, functional, and spatial information, amino acid conservation, physicochemical variation, residue mobility, and thermodynamic stability) indicates that this missense variant is expected to disrupt GPHN protein function with a positive predictive value of 80%. In summary, the available evidence is currently insufficient to determine the role of this variant in disease. Therefore, it has been classified as a Variant of Uncertain Significance.

NM_020806.5(GPHN):c.2205C>G (p.Ser735Arg)

Gene: GPHN (gephyrin; plus strand). Cytogenetic location: 14q23.3.
Variant type: single nucleotide variant.
Coding change: c.2205C>G on transcript NM_020806.5 (MANE Select); coding-DNA position 2205, C replaced by G.
Protein change: p.Ser735Arg; replaces serine 735 with arginine.
Molecular consequence: missense variant.
Genome position (GRCh38, 1-based): chr14:67,180,832, C>G. VCF-style: chr14-67180832-C-G. GRCh37 (hg19) VCF-style: chr14-67647549-C-G.
Other names: c.2106C>G, p.Ser702Arg (NM_001024218.2); c.2265C>G, p.Ser755Arg (NM_001377514.1); c.2235C>G, p.Ser745Arg (NM_001377515.1); c.2226C>G, p.Ser742Arg (NM_001377516.1); c.2178C>G, p.Ser726Arg (NM_001377517.1); c.2163C>G, p.Ser721Arg (NM_001377518.1); c.2145C>G, p.Ser715Arg (NM_001377519.1); short protein forms S721R, S726R, S715R, S755R, S702R, S745R, S735R, S742R.
Identifiers: ClinVar variation 4745138 (VCV004745138.1).